The following is an entry in ClinVar:

NM_000834.5(GRIN2B):c.2249_2250dup (p.Ile751fs)

Gene: GRIN2B (glutamate ionotropic receptor NMDA type subunit 2B; minus strand). Cytogenetic location: 12p13.1.
Variant type: Duplication.
Coding change: c.2249_2250dup on transcript NM_000834.5 (MANE Select); coding-DNA positions 2249 to 2250, 2 bases duplicated (CC; older notation c.2249_2250dupCC).
Protein change: p.Ile751fs; shifts the reading frame from isoleucine 751.
Molecular consequence: frameshift variant.
Genome position (GRCh38, 1-based): chr12:13,569,939-13,569,940, GG duplicated on the plus strand (CC on the coding strand, the reverse complement: GRIN2B is on the minus strand). VCF-style (leftmost placement, unchanged base first): chr12-13569938-T-TGG. GRCh37 (hg19) VCF-style: chr12-13722872-T-TGG.
Other names: c.2249_2250dup, p.Ile751Profs (NM_001413992.1); short protein forms I751fs.
Identifiers: ClinVar variation 2292351 (VCV002292351.2), dbSNP rs2497482245, ClinGen allele CA2580085196.

ClinVar aggregate classification (germline): Pathogenic (1 of 4 stars; one submission).

Conditions:
Inborn genetic diseases. Identifiers: MedGen C0950123, MeSH D030342.

Submission:

Ambry Genetics
Classification: Pathogenic for Inborn genetic diseases. Last evaluated: 2022-06-14. Review status: criteria provided, single submitter. Criteria: Ambry Variant Classification Scheme 2023. Collection method: clinical testing. Allele origin: germline.
Comment: The c.2249_2250dupCC (p.I751Pfs*60) alteration, located in exon 11 (coding exon 10) of the GRIN2B gene, consists of a duplication of CC at position 2249, causing a translational frameshift with a predicted alternate stop codon after 60 amino acids. This alteration is expected to result in loss of function by premature protein truncation or nonsense-mediated mRNA decay. This variant was not reported in population-based cohorts in the Genome Aggregation Database (gnomAD). Based on the available evidence, this alteration is classified as pathogenic.